The following is an entry in ClinVar:

ClinVar aggregate classification (germline): Uncertain significance (1 of 4 stars; one submission).

gnomAD v4.1: 23 of 1,211,573 alleles (0.0019%); highest among the groups gnomAD compares: Non-Finnish European, 0.0022%; no homozygotes.

Submission:

Labcorp Genetics (formerly Invitae), Labcorp
Classification: Uncertain significance. Last evaluated: 2025-06-10. Review status: criteria provided, single submitter. Criteria: Invitae Variant Classification Sherloc (09022015). Collection method: clinical testing. Allele origin: germline.
Comment: This sequence change replaces arginine, which is basic and polar, with glutamine, which is neutral and polar, at codon 602 of the MID1 protein (p.Arg602Gln). The frequency data for this variant in the population databases is considered unreliable, as metrics indicate poor data quality at this position in the gnomAD database. This variant has not been reported in the literature in individuals affected with MID1-related conditions. Invitae Evidence Modeling of protein sequence and biophysical properties (such as structural, functional, and spatial information, amino acid conservation, physicochemical variation, residue mobility, and thermodynamic stability) indicates that this missense variant is not expected to disrupt MID1 protein function with a negative predictive value of 80%. In summary, the available evidence is currently insufficient to determine the role of this variant in disease. Therefore, it has been classified as a Variant of Uncertain Significance.

NM_000381.4(MID1):c.1805G>A (p.Arg602Gln)

Genes: MID1 (midline 1; minus strand), LOC126863207 (BRD4-independent group 4 enhancer GRCh37_chrX:10416979-10418178; plus strand). Cytogenetic location: Xp22.2.
Variant type: single nucleotide variant.
Coding change: c.1805G>A on transcript NM_000381.4 (MANE Select); coding-DNA position 1805, G replaced by A.
Protein change: p.Arg602Gln; replaces arginine 602 with glutamine.
Molecular consequence: missense variant.
Genome position (GRCh38, 1-based): chrX:10,449,567, C>T on the plus strand (G>A on the coding strand, the complement: MID1 is on the minus strand). VCF-style: chrX-10449567-C-T. GRCh37 (hg19) VCF-style: chrX-10417607-C-T.
Other names: c.1805G>A, p.Arg602Gln (NM_001098624.2, NM_001193277.1, NM_001347733.2 and 1 more transcripts); c.1691G>A, p.Arg564Gln (NM_033289.2); short protein forms R564Q, R602Q.
Identifiers: ClinVar variation 4708468 (VCV004708468.1).